The following is an entry in ClinVar:

NM_005529.7(HSPG2):c.2038G>A (p.Ala680Thr)

Gene: HSPG2 (heparan sulfate proteoglycan 2; minus strand). Cytogenetic location: 1p36.12.
Variant type: single nucleotide variant.
Coding change: c.2038G>A on transcript NM_005529.7 (MANE Select); coding-DNA position 2038, G replaced by A.
Protein change: p.Ala680Thr; replaces alanine 680 with threonine.
Molecular consequence: missense variant.
Genome position (GRCh38, 1-based): chr1:21,880,520, C>T on the plus strand (G>A on the coding strand, the complement: HSPG2 is on the minus strand). VCF-style: chr1-21880520-C-T. GRCh37 (hg19) VCF-style: chr1-22207013-C-T.
Other names: c.2041G>A, p.Ala681Thr (NM_001291860.2); short protein forms A680T, A681T.
Identifiers: ClinVar variation 1051877 (VCV001051877.10), dbSNP rs112756708, ClinGen allele CA673206.

ClinVar aggregate classification (germline): Uncertain significance. Review status: criteria provided, multiple submitters, no conflicts (2 of 4 stars). 3 submissions from 3 submitters: Uncertain significance (3). Last evaluated 2025-01-27.

Allele frequency attached by ClinVar (database versions not stated): gnomAD exomes 0.00009 and 0.00017; ExAC 0.00018; 1000 Genomes Project 0.00160; gnomAD 0.00062; ESP Exome Variant Server 0.00077; 1000 Genomes Project 30x 0.00156; TOPMed 0.00063.
gnomAD v4.1: 246 of 1,613,602 alleles (0.015%); highest among the groups gnomAD compares: African/African-American, 0.22%; no homozygotes.

Submissions (3):

Labcorp Genetics (formerly Invitae), Labcorp
Classification: Uncertain significance. Last evaluated: 2025-01-27. Review status: criteria provided, single submitter. Criteria: Invitae Variant Classification Sherloc (09022015). Collection method: clinical testing. Allele origin: germline.
Comment: This sequence change replaces alanine, which is neutral and non-polar, with threonine, which is neutral and polar, at codon 680 of the HSPG2 protein (p.Ala680Thr). This variant is present in population databases (rs112756708, gnomAD 0.2%). This variant has not been reported in the literature in individuals affected with HSPG2-related conditions. ClinVar contains an entry for this variant (Variation ID: 1051877). An algorithm developed to predict the effect of missense changes on protein structure and function (PolyPhen-2) suggests that this variant¬†is likely to be tolerated. In summary, the available evidence is currently insufficient to determine the role of this variant in disease. Therefore, it has been classified as a Variant of Uncertain Significance.

Blueprint Genetics
Classification: Uncertain significance. Last evaluated: 2024-07-11. Review status: criteria provided, single submitter. Criteria: ACMG Guidelines, 2015. Collection method: clinical testing. Allele origin: germline.

Revvity Omics, Revvity
Classification: Uncertain significance. Last evaluated: 2019-11-25. Review status: criteria provided, single submitter. Criteria: ACMG Guidelines, 2015. Collection method: clinical testing. Allele origin: germline.